The following is an entry in ClinVar:

NM_005908.4(MANBA):c.-13_112del (p.Met1fs)

Genes: MANBA (mannosidase beta; minus strand), LOC129992886 (ATAC-STARR-seq lymphoblastoid active region 21757; plus strand). Cytogenetic location: 4q24.
Variant type: Deletion.
Coding change: c.-13_112del on transcript NM_005908.4 (MANE Select); 13 bases upstream of the start codon through coding-DNA position 112, 125 bases deleted.
Protein change: p.Met1fs; shifts the reading frame from methionine 1.
Molecular consequence: frameshift variant, initiator codon variant.
Genome position (GRCh38, 1-based): chr4:102,760,783-102,760,907, 125 bases deleted. GRCh37 (hg19): chr4:103,681,942-103,682,066.
Other names: short protein forms M1fs.
Identifiers: ClinVar variation 1995347 (VCV001995347.5), dbSNP rs2477036069, ClinGen allele CA2580071276.

ClinVar aggregate classification (germline): Uncertain significance (1 of 4 stars; one submission).

Conditions:
Beta-D-mannosidosis (MANSB). Also called: MANNOSIDOSIS, BETA A, LYSOSOMAL; BETA-MANNOSIDASE DEFICIENCY; LYSOSOMAL BETA-MANNOSIDASE DEFICIENCY; Beta-Mannosidosis. Identifiers: Orphanet 118, MedGen C4048196, MONDO:0009562, OMIM 248510.

Submission:

Labcorp Genetics (formerly Invitae), Labcorp
Classification: Uncertain significance for Beta-D-mannosidosis. Last evaluated: 2022-05-31. Review status: criteria provided, single submitter. Criteria: Invitae Variant Classification Sherloc (09022015). Collection method: clinical testing. Allele origin: germline.
Comment: In summary, the available evidence is currently insufficient to determine the role of this variant in disease. Therefore, it has been classified as a Variant of Uncertain Significance. Algorithms developed to predict the effect of sequence changes on RNA splicing suggest that this variant may create or strengthen a splice site. Experimental studies and prediction algorithms are not available or were not evaluated, and the functional significance of this variant is currently unknown. This variant has not been reported in the literature in individuals affected with MANBA-related conditions. This variant is not present in population databases (gnomAD no frequency). This sequence change affects the initiator methionine of the MANBA mRNA. The next in-frame methionine is located at codon 122.